The following is an entry in ClinVar:

ClinVar aggregate classification (germline): Uncertain significance (1 of 4 stars; one submission).

Conditions:
Multiple gastrointestinal atresias. Also called: FAMILIAL INTESTINAL POLYATRESIA SYNDROME; Multiple intestinal atresia. Identifiers: Orphanet 2300, MedGen C0220744, MONDO:0009465.

Allele frequency attached by ClinVar (database versions not stated): TOPMed 0.00001.
gnomAD v4.1: 19 of 1,557,164 alleles (0.0012%); highest among the groups gnomAD compares: Non-Finnish European, 0.0017%; no homozygotes.

Submission:

Labcorp Genetics (formerly Invitae), Labcorp
Classification: Uncertain significance for Multiple gastrointestinal atresias. Last evaluated: 2025-10-01. Review status: criteria provided, single submitter. Criteria: Invitae Variant Classification Sherloc (09022015). Collection method: clinical testing. Allele origin: germline.
Comment: This sequence change replaces tyrosine, which is neutral and polar, with phenylalanine, which is neutral and non-polar, at codon 10 of the TTC7A protein (p.Tyr10Phe). This variant is not present in population databases (gnomAD no frequency). This variant has not been reported in the literature in individuals affected with TTC7A-related conditions. ClinVar contains an entry for this variant (Variation ID: 1025381). An algorithm developed to predict the effect of missense changes on protein structure and function (PolyPhen-2) suggests that this variant is likely to be tolerated. In summary, the available evidence is currently insufficient to determine the role of this variant in disease. Therefore, it has been classified as a Variant of Uncertain Significance.

NM_020458.4(TTC7A):c.29A>T (p.Tyr10Phe)

Genes: MCFD2 (multiple coagulation factor deficiency 2, ER cargo receptor complex subunit; minus strand), TTC7A (tetratricopeptide repeat domain 7A; plus strand). Cytogenetic location: 2p21.
Variant type: single nucleotide variant.
Coding change: c.29A>T on transcript NM_020458.4 (MANE Select); coding-DNA position 29, A replaced by T.
Protein change: p.Tyr10Phe; replaces tyrosine 10 with phenylalanine.
Molecular consequence: missense variant. On other transcripts: 5 prime UTR variant (1), splice donor variant (2), intron variant (1).
Genome position (GRCh38, 1-based): chr2:46,941,570, A>T. VCF-style: chr2-46941570-A-T. GRCh37 (hg19) VCF-style: chr2-47168709-A-T.
Other names: c.29A>T, p.Tyr10Phe (NM_001288951.2); c.-876A>T (NM_001288955.2); c.-7+2T>A (NM_001171508.2); c.92+2T>A (NM_001171511.3); c.83-8793A>T (NM_001288953.2); short protein forms Y10F.
Identifiers: ClinVar variation 1025381 (VCV001025381.10), dbSNP rs1041638738, ClinGen allele CA346715555.
Genomic context (GRCh38, chr2:46,941,570, plus strand): 5'-GCCGCACCTTCCATGACAGCGCCCGCGAGAAGATGGCTGCGAAGGGCGCGCACGGCTCCT[A>T]CCTGAAGGTGGAGAGCGAGCTGGAGCGCTGCCGCGCCGAGGGCCACTGGGACCGCATGCC-3'
Protein context (NP_065191.2, residues 1-20): MAAKGAHGS[Tyr10Phe]LKVESELERC